The following is an entry in ClinVar:

ClinVar aggregate classification (germline): Uncertain significance (1 of 4 stars; one submission).

Conditions:
Ullrich congenital muscular dystrophy 2 (UCMD2). Identifiers: Orphanet 75840, MedGen C4225314, MONDO:0014654, OMIM 616470.
Bethlem myopathy 2 (BTHLM2). Identifiers: Orphanet 536516, Orphanet 610, MedGen C4225313, MONDO:0034022, OMIM 616471.

Allele frequency attached by ClinVar (database versions not stated): gnomAD exomes below 0.00001.
gnomAD v4.1: 1 of 1,614,186 alleles (0.000062%); highest among the groups gnomAD compares: Admixed American, 0.0017%; no homozygotes.

Submission:

Labcorp Genetics (formerly Invitae), Labcorp
Classification: Uncertain significance for Bethlem myopathy 2; Ullrich congenital muscular dystrophy 2. Last evaluated: 2023-04-09. Review status: criteria provided, single submitter. Criteria: Invitae Variant Classification Sherloc (09022015). Collection method: clinical testing. Allele origin: germline.
Comment: This sequence change replaces valine, which is neutral and non-polar, with methionine, which is neutral and non-polar, at codon 883 of the COL12A1 protein (p.Val883Met). This variant is not present in population databases (gnomAD no frequency). This variant has not been reported in the literature in individuals affected with COL12A1-related conditions. ClinVar contains an entry for this variant (Variation ID: 2188517). Advanced modeling of protein sequence and biophysical properties (such as structural, functional, and spatial information, amino acid conservation, physicochemical variation, residue mobility, and thermodynamic stability) performed at Invitae indicates that this missense variant is not expected to disrupt COL12A1 protein function. In summary, the available evidence is currently insufficient to determine the role of this variant in disease. Therefore, it has been classified as a Variant of Uncertain Significance.

NM_004370.6(COL12A1):c.2647G>A (p.Val883Met)

Gene: COL12A1 (collagen type XII alpha 1 chain; minus strand). Cytogenetic location: 6q13.
Variant type: single nucleotide variant.
Coding change: c.2647G>A on transcript NM_004370.6 (MANE Select); coding-DNA position 2647, G replaced by A.
Protein change: p.Val883Met; replaces valine 883 with methionine.
Molecular consequence: missense variant. On other transcripts: intron variant (1).
Genome position (GRCh38, 1-based): chr6:75,175,101, C>T on the plus strand (G>A on the coding strand, the complement: COL12A1 is on the minus strand). VCF-style: chr6-75175101-C-T. GRCh37 (hg19) VCF-style: chr6-75884817-C-T.
Other names: c.74-22619G>A (NM_080645.3); short protein forms V883M.
Identifiers: ClinVar variation 2188517 (VCV002188517.4), dbSNP rs2533516747, ClinGen allele CA364761401.